The following is an entry in ClinVar:

ClinVar aggregate classification (germline): Pathogenic (1 of 4 stars; one submission).

Conditions:
Hereditary cancer-predisposing syndrome. Also called: Neoplastic Syndromes, Hereditary; Tumor predisposition; Hereditary neoplastic syndrome; Hereditary Cancer Syndrome. Identifiers: Orphanet 140162, MedGen C0027672, MeSH D009386, MONDO:0015356.
Cardiovascular phenotype. Identifiers: MedGen CN230736.

Submission:

Ambry Genetics
Classification: Pathogenic for Cardiovascular phenotype; Hereditary cancer-predisposing syndrome. Last evaluated: 2023-09-14. Review status: criteria provided, single submitter. Criteria: Ambry Variant Classification Scheme 2023. Collection method: clinical testing. Allele origin: germline.
Comment: The p.E616* variant (also known as c.1846G>T), located in coding exon 16 of the LZTR1 gene, results from a G to T substitution at nucleotide position 1846. This changes the amino acid from a glutamic acid to a stop codon within coding exon 16. This variant is considered to be rare based on population cohorts in the Genome Aggregation Database (gnomAD). Loss-of-function variants in LZTR1 are related to an increased risk for schwannomas and autosomal recessive Noonan syndrome; however, such associations with autosomal dominant Noonan syndrome have not been observed (Piotrowski A et al. Nat Genet. 2014 Feb;46:182-7; Yamamoto GL et al. J Med Genet. 2015 Jun;52:413-21; Johnston JJ et al. Genet Med. 2018 10;20:1175-1185). This alteration is expected to result in loss of function by premature protein truncation or nonsense-mediated mRNA decay. Based on the supporting evidence, this variant is pathogenic for an increased risk of LZTR1-related schwannomatosis (SWN) and would be expected to cause autosomal recessive Noonan syndrome when present along with a second pathogenic or likely pathogenic variant on the other allele; however, the association of this alteration with autosomal dominant Noonan syndrome is unlikely.

NM_006767.4(LZTR1):c.1846G>T (p.Glu616Ter)

Gene: LZTR1 (leucine zipper like post translational regulator 1; plus strand). Cytogenetic location: 22q11.21.
Variant type: single nucleotide variant.
Coding change: c.1846G>T on transcript NM_006767.4 (MANE Select); coding-DNA position 1846, G replaced by T.
Protein change: p.Glu616Ter; replaces glutamic acid 616 with a stop codon.
Molecular consequence: nonsense.
Genome position (GRCh38, 1-based): chr22:20,994,930, G>T. VCF-style: chr22-20994930-G-T. GRCh37 (hg19) VCF-style: chr22-21349219-G-T.
Other names: short protein forms E616*.
Identifiers: ClinVar variation 3238146 (VCV003238146.1), dbSNP rs1924773761.
Genomic context (GRCh38, chr22:20,994,930, plus strand): 5'-GAGCACTGCCTGAACTTCGTGGTAAAGGAGTCCCACTTCAACCAGGTGATCATGATGAAG[G>T]AGTTCGAGCGCCTCTCCTCTCCACTGATAGTGGAGATTGTGCGGCGGAAGCAGCAGCCGC-3'